The following is an entry in ClinVar:

ClinVar aggregate classification (germline): Uncertain significance. Review status: criteria provided, multiple submitters, no conflicts (2 of 4 stars). 2 submissions from 2 submitters: Uncertain significance (2). Last evaluated 2025-05-08.

Conditions:
Inborn genetic diseases. Identifiers: MedGen C0950123, MeSH D030342.
Fanconi anemia (FA). Also called: Fanconi's anemia. Identifiers: Orphanet 84, MedGen C0015625, MeSH D005199, MONDO:0019391.

Submissions (2):

Ambry Genetics
Classification: Uncertain significance for Inborn genetic diseases. Last evaluated: 2025-05-08. Review status: criteria provided, single submitter. Criteria: Ambry Variant Classification Scheme 2023. Collection method: clinical testing. Allele origin: germline.
Comment: The p.N707S variant (also known as c.2120A>G), located in coding exon 23 of the FANCA gene, results from an A to G substitution at nucleotide position 2120. The asparagine at codon 707 is replaced by serine, an amino acid with highly similar properties. This amino acid position is conserved. In addition, this alteration is predicted to be tolerated by in silico analysis. Based on the available evidence, the clinical significance of this variant remains unclear.

Labcorp Genetics (formerly Invitae), Labcorp
Classification: Uncertain significance for Fanconi anemia. Last evaluated: 2024-08-12. Review status: criteria provided, single submitter. Criteria: Invitae Variant Classification Sherloc (09022015). Collection method: clinical testing. Allele origin: germline.
Comment: This sequence change replaces asparagine, which is neutral and polar, with serine, which is neutral and polar, at codon 707 of the FANCA protein (p.Asn707Ser). This variant is present in population databases (no rsID available, gnomAD 0.0009%). This variant has not been reported in the literature in individuals affected with FANCA-related conditions. Advanced modeling of protein sequence and biophysical properties (such as structural, functional, and spatial information, amino acid conservation, physicochemical variation, residue mobility, and thermodynamic stability) performed at Invitae indicates that this missense variant is not expected to disrupt FANCA protein function with a negative predictive value of 80%. In summary, the available evidence is currently insufficient to determine the role of this variant in disease. Therefore, it has been classified as a Variant of Uncertain Significance.

NM_000135.4(FANCA):c.2120A>G (p.Asn707Ser)

Gene: FANCA (FA complementation group A; minus strand). Cytogenetic location: 16q24.3.
Variant type: single nucleotide variant.
Coding change: c.2120A>G on transcript NM_000135.4 (MANE Select); coding-DNA position 2120, A replaced by G.
Protein change: p.Asn707Ser; replaces asparagine 707 with serine.
Molecular consequence: missense variant.
Genome position (GRCh38, 1-based): chr16:89,771,709, T>C on the plus strand (A>G on the coding strand, the complement: FANCA is on the minus strand). VCF-style: chr16-89771709-T-C. GRCh37 (hg19) VCF-style: chr16-89838117-T-C.
Other names: c.2120A>G, p.Asn707Ser (NM_001286167.3); short protein forms N707S.
Identifiers: ClinVar variation 3700672 (VCV003700672.3).